The following is an entry in ClinVar:

ClinVar aggregate classification (germline): Benign/Likely benign. Review status: criteria provided, multiple submitters, no conflicts (2 of 4 stars). 5 submissions from 5 submitters: Benign (1); Likely benign (4). Last evaluated 2026-03-01.

Conditions:
Inborn genetic diseases. Identifiers: MedGen C0950123, MeSH D030342.
KMT2D-related disorder. Also called: KMT2D-Related Disorders.
Kabuki syndrome. Also called: Kabuki make-up syndrome; NIIKAWA-KUROKI SYNDROME. Identifiers: Orphanet 2322, MedGen C0796004, MONDO:0016512.

Allele frequency attached by ClinVar (database versions not stated): TOPMed 0.00003; gnomAD 0.00004.
gnomAD v4.1: 24 of 1,604,260 alleles (0.0015%); highest among the groups gnomAD compares: Middle Eastern, 0.033%; no homozygotes.

Submissions (5):

CeGaT Center for Human Genetics Tuebingen
Classification: Likely benign. Last evaluated: 2026-03-01. Review status: criteria provided, single submitter. Criteria: CeGaT Center For Human Genetics Tuebingen Variant Classification Criteria Version 2. Collection method: clinical testing. Allele origin: germline. Affected: yes. Observed: 1 variant allele.
Comment: KMT2D: BP4

Labcorp Genetics (formerly Invitae), Labcorp
Classification: Benign for Kabuki syndrome. Last evaluated: 2025-07-22. Review status: criteria provided, single submitter. Criteria: Invitae Variant Classification Sherloc (09022015). Collection method: clinical testing. Allele origin: germline.

PreventionGenetics, part of Exact Sciences
Classification: Likely benign for KMT2D-related condition. Last evaluated: 2025-04-24. Review status: criteria provided, single submitter. Criteria: ACMG Guidelines, 2015. Collection method: clinical testing. Allele origin: germline.
Comment: This variant is classified as likely benign based on ACMG/AMP sequence variant interpretation guidelines (Richards et al. 2015 PMID: 25741868, with internal and published modifications).

Ambry Genetics
Classification: Likely benign for Inborn genetic diseases. Last evaluated: 2024-07-18. Review status: criteria provided, single submitter. Criteria: Ambry Variant Classification Scheme 2023. Collection method: clinical testing. Allele origin: germline.

Genetic Services Laboratory, University of Chicago
Classification: Likely benign. Last evaluated: 2020-12-11. Review status: criteria provided, single submitter. Criteria: ACMG Guidelines, 2015. Collection method: clinical testing. Allele origin: germline. Affected: no.

NM_003482.4(KMT2D):c.9430G>A (p.Ala3144Thr)

Gene: KMT2D (lysine methyltransferase 2D; minus strand). Cytogenetic location: 12q13.12.
Variant type: single nucleotide variant.
Coding change: c.9430G>A on transcript NM_003482.4 (MANE Select); coding-DNA position 9430, G replaced by A.
Protein change: p.Ala3144Thr; replaces alanine 3144 with threonine.
Molecular consequence: missense variant.
Genome position (GRCh38, 1-based): chr12:49,037,926, C>T on the plus strand (G>A on the coding strand, the complement: KMT2D is on the minus strand). VCF-style: chr12-49037926-C-T. GRCh37 (hg19) VCF-style: chr12-49431709-C-T.
Other names: short protein forms A3144T.
Identifiers: ClinVar variation 1337800 (VCV001337800.16), dbSNP rs752428122, ClinGen allele CA6546692.